The following is an entry in ClinVar:

NM_001130009.3(GEN1):c.1729A>T (p.Ile577Leu)

Gene: GEN1 (GEN1 Holliday junction 5' flap endonuclease; plus strand). Cytogenetic location: 2p24.2.
Variant type: single nucleotide variant.
Coding change: c.1729A>T on transcript NM_001130009.3 (MANE Select); coding-DNA position 1729, A replaced by T.
Protein change: p.Ile577Leu; replaces isoleucine 577 with leucine.
Molecular consequence: missense variant.
Genome position (GRCh38, 1-based): chr2:17,780,941, A>T. VCF-style: chr2-17780941-A-T. GRCh37 (hg19) VCF-style: chr2-17962208-A-T.
Other names: c.1729A>T, p.Ile577Leu (NM_182625.5); short protein forms I577L.
Identifiers: ClinVar variation 4263034 (VCV004263034.1).

ClinVar aggregate classification (germline): Uncertain significance (1 of 4 stars; one submission).

Submission:

Ambry Genetics
Classification: Uncertain significance. Last evaluated: 2025-07-16. Review status: criteria provided, single submitter. Criteria: Ambry Variant Classification Scheme 2023. Collection method: clinical testing. Allele origin: germline.
Comment: The p.I577L variant (also known as c.1729A>T), located in coding exon 13 of the GEN1 gene, results from an A to T substitution at nucleotide position 1729. The isoleucine at codon 577 is replaced by leucine, an amino acid with highly similar properties. This amino acid position is conserved. In addition, this alteration is predicted to be tolerated by in silico analysis. Based on the available evidence, the clinical significance of this variant remains unclear.